The following is an entry in ClinVar:

ClinVar aggregate classification (germline): Uncertain significance. Review status: criteria provided, multiple submitters, no conflicts (2 of 4 stars). 2 submissions from 2 submitters: Uncertain significance (2). Last evaluated 2024-09-18.

Conditions:
Mitochondrial complex IV deficiency, nuclear type 4. Also called: Mitochondrial complex 4 deficiency, nuclear type 4. Identifiers: MedGen C5436683, MONDO:0033636, OMIM 619048.

Allele frequency attached by ClinVar (database versions not stated): gnomAD exomes 0.00003.
gnomAD v4.1: 38 of 1,613,970 alleles (0.0024%); highest among the groups gnomAD compares: Non-Finnish European, 0.0032%; no homozygotes.

Submissions (2):

GeneDx
Classification: Uncertain significance. Last evaluated: 2024-09-18. Review status: criteria provided, single submitter. Criteria: GeneDx Variant Classification Process June 2021. Collection method: clinical testing. Allele origin: germline.
Comment: Not observed at significant frequency in large population cohorts (gnomAD); In silico analysis supports that this missense variant has a deleterious effect on protein structure/function; Has not been previously published in association with an SCO1-related disorder to our knowledge; This variant is associated with the following publications: (PMID: 31130284)

Baylor Genetics
Classification: Uncertain significance for Mitochondrial complex IV deficiency, nuclear type 4. Last evaluated: 2021-05-25. Review status: criteria provided, single submitter. Criteria: ACMG Guidelines, 2015. Collection method: clinical testing. Allele origin: unknown.

NM_004589.4(SCO1):c.722A>G (p.Tyr241Cys)

Gene: SCO1 (synthesis of cytochrome C oxidase 1; minus strand). Cytogenetic location: 17p13.1.
Variant type: single nucleotide variant.
Coding change: c.722A>G on transcript NM_004589.4 (MANE Select); coding-DNA position 722, A replaced by G.
Protein change: p.Tyr241Cys; replaces tyrosine 241 with cysteine.
Molecular consequence: missense variant.
Genome position (GRCh38, 1-based): chr17:10,686,776, T>C on the plus strand (A>G on the coding strand, the complement: SCO1 is on the minus strand). VCF-style: chr17-10686776-T-C. GRCh37 (hg19) VCF-style: chr17-10590093-T-C.
Other names: c.722A>G (NM_004589.2); short protein forms Y241C.
Identifiers: ClinVar variation 2441896 (VCV002441896.3), dbSNP rs1447978731, ClinGen allele CA398128782.